The following is an entry in ClinVar:

ClinVar aggregate classification (germline): Uncertain significance (1 of 4 stars; one submission).

Conditions:
Inborn genetic diseases. Identifiers: MedGen C0950123, MeSH D030342.

Submission:

Ambry Genetics
Classification: Uncertain significance for Inborn genetic diseases. Last evaluated: 2025-08-22. Review status: criteria provided, single submitter. Criteria: Ambry Variant Classification Scheme 2023. Collection method: clinical testing. Allele origin: germline.
Comment: The p.E57G variant (also known as c.170A>G), located in coding exon 1 of the CEBPA gene, results from an A to G substitution at nucleotide position 170. The glutamic acid at codon 57 is replaced by glycine, an amino acid with similar properties. This amino acid position is conserved. In addition, the in silico prediction for this alteration is inconclusive. Based on the available evidence, the clinical significance of this variant remains unclear.

NM_004364.5(CEBPA):c.170A>G (p.Glu57Gly)

Gene: CEBPA (CCAAT enhancer binding protein alpha; minus strand). Cytogenetic location: 19q13.11.
Variant type: single nucleotide variant.
Coding change: c.170A>G on transcript NM_004364.5 (MANE Select); coding-DNA position 170, A replaced by G.
Protein change: p.Glu57Gly; replaces glutamic acid 57 with glycine.
Molecular consequence: missense variant. On other transcripts: 5 prime UTR variant (1).
Genome position (GRCh38, 1-based): chr19:33,302,245, T>C on the plus strand (A>G on the coding strand, the complement: CEBPA is on the minus strand). VCF-style: chr19-33302245-T-C. GRCh37 (hg19) VCF-style: chr19-33793151-T-C.
Other names: c.-188A>G (NM_001285829.2); c.275A>G, p.Glu92Gly (NM_001287424.2); c.128A>G, p.Glu43Gly (NM_001287435.2); short protein forms E92G, E43G, E57G.
Identifiers: ClinVar variation 4225051 (VCV004225051.1).